The following is an entry in ClinVar:

NM_001298.3(CNGA3):c.1030G>T (p.Glu344Ter)

Gene: CNGA3 (cyclic nucleotide gated channel subunit alpha 3; plus strand). Cytogenetic location: 2q11.2.
Variant type: single nucleotide variant.
Coding change: c.1030G>T on transcript NM_001298.3 (MANE Select); coding-DNA position 1030, G replaced by T.
Protein change: p.Glu344Ter; replaces glutamic acid 344 with a stop codon.
Molecular consequence: nonsense.
Genome position (GRCh38, 1-based): chr2:98,396,200, G>T. VCF-style: chr2-98396200-G-T. GRCh37 (hg19) VCF-style: chr2-99012663-G-T.
Other names: c.1030G>T (NM_001298.2); c.976G>T, p.Glu326Ter (NM_001079878.2); short protein forms E326*, E344*.
Identifiers: ClinVar variation 1075937 (VCV001075937.10), dbSNP rs369281115, ClinGen allele CA52635409.

ClinVar aggregate classification (germline): Pathogenic/Likely pathogenic. Review status: criteria provided, multiple submitters, no conflicts (2 of 4 stars). 4 submissions from 4 submitters: Pathogenic (3); Likely pathogenic (1). Last evaluated 2025-06-09.

Conditions:
CNGA3-related disorders.
CNGA3-related disorder. Also called: CNGA3-related condition.

Allele frequency attached by ClinVar (database versions not stated): gnomAD exomes 0.00001 and 0.00002; TOPMed 0.00002; gnomAD 0.00003; ESP Exome Variant Server 0.00008.
gnomAD v4.1: 30 of 1,614,018 alleles (0.0019%); highest among the groups gnomAD compares: Non-Finnish European, 0.0025%; no homozygotes.

Submissions (4):

PreventionGenetics, part of Exact Sciences
Classification: Pathogenic for CNGA3-related condition. Last evaluated: 2025-06-09. Review status: criteria provided, single submitter. Criteria: ACMG Guidelines, 2015. Collection method: clinical testing. Allele origin: germline.
Comment: The CNGA3 c.1030G>T variant is predicted to result in premature protein termination (p.Glu344*). This variant was reported in multiple individuals with autosomal recessive achromatopsia (Nishiguchi et al. 2005. PubMed ID: 15712225; Täger et al. 2018. PubMed ID: 29499183). This variant is reported in 0.0023% of alleles in individuals of European (Non-Finnish) descent in gnomAD. Nonsense variants in CNGA3 are expected to be pathogenic. This variant is interpreted as pathogenic.

Labcorp Genetics (formerly Invitae), Labcorp
Classification: Pathogenic. Last evaluated: 2024-10-26. Review status: criteria provided, single submitter. Criteria: Invitae Variant Classification Sherloc (09022015). Collection method: clinical testing. Allele origin: germline.
Comment: This sequence change creates a premature translational stop signal (p.Glu344*) in the CNGA3 gene. While this is not anticipated to result in nonsense mediated decay, it is expected to disrupt the last 351 amino acid(s) of the CNGA3 protein. This variant is present in population databases (rs369281115, gnomAD 0.003%). This premature translational stop signal has been observed in individuals with achromatopsia (PMID: 15712225, 29499183). ClinVar contains an entry for this variant (Variation ID: 1075937). This variant disrupts a region of the CNGA3 protein in which other variant(s) (p.Arg499*) have been determined to be pathogenic (PMID: 24269407, 26992781; internal data). This suggests that this is a clinically significant region of the protein, and that variants that disrupt it are likely to be disease-causing. For these reasons, this variant has been classified as Pathogenic.

GeneDx
Classification: Likely pathogenic. Last evaluated: 2024-07-01. Review status: criteria provided, single submitter. Criteria: GeneDx Variant Classification Process June 2021. Collection method: clinical testing. Allele origin: germline. Affected: yes.
Comment: Nonsense variant predicted to result in protein truncation, as the last 351 amino acids are lost, and other loss-of-function variants have been reported downstream in HGMD; Not observed at significant frequency in large population cohorts (gnomAD); This variant is associated with the following publications: (PMID: 31964843, 15712225, 32037395)

Blueprint Genetics
Classification: Pathogenic for CNGA3-related disorders. Last evaluated: 2022-10-17. Review status: criteria provided, single submitter. Criteria: ACMG Guidelines, 2015. Collection method: clinical testing. Allele origin: germline. Affected: yes. Observed: 1 variant allele.

Literature cited by the submitters: PubMed 15712225 (cited by Labcorp Genetics (formerly Invitae), Labcorp); PubMed 29499183 (cited by Labcorp Genetics (formerly Invitae), Labcorp); PubMed 24269407 (cited by Labcorp Genetics (formerly Invitae), Labcorp); PubMed 26992781 (cited by Labcorp Genetics (formerly Invitae), Labcorp).